The following is an entry in ClinVar:

ClinVar aggregate classification (germline): Likely benign (1 of 4 stars; one submission).

gnomAD v4.1: 433 of 1,544,286 alleles (0.028%); highest among the groups gnomAD compares: African/African-American, 0.15%; no homozygotes.

Submission:

CeGaT Center for Human Genetics Tuebingen
Classification: Likely benign. Last evaluated: 2026-02-01. Review status: criteria provided, single submitter. Criteria: CeGaT Center For Human Genetics Tuebingen Variant Classification Criteria Version 2. Collection method: clinical testing. Allele origin: germline. Affected: yes. Observed: 1 variant allele.
Comment: CAPN15: BP4, BP7

NM_005632.3(CAPN15):c.2853G>A (p.Thr951=)

Gene: CAPN15 (calpain 15; plus strand). Cytogenetic location: 16p13.3.
Variant type: single nucleotide variant.
Coding change: c.2853G>A on transcript NM_005632.3 (MANE Select); coding-DNA position 2853, G replaced by A.
Protein change: p.Thr951=; no amino-acid change (threonine 951 retained).
Molecular consequence: synonymous variant.
Genome position (GRCh38, 1-based): chr16:552,720, G>A. VCF-style: chr16-552720-G-A. GRCh37 (hg19) VCF-style: chr16-602720-G-A.
Identifiers: ClinVar variation 4821228 (VCV004821228.4).
Genomic context (GRCh38, chr16:552,720, plus strand): 5'-GCTGGCTGTGTACAGCTCGAGGCTGGTCATGGTGGAGCCCGTGGAAGCCCAGCCGACCAC[G>A]CTGGCCGACGCCATCATCCTGCTCACCGAGAGCCGCGGAGAGCGGCACGAGGTGGGTGGG-3'
Protein context (NP_005623.1, residues 941-961): MVEPVEAQPT[Thr951=]LADAIILLTE